The following is an entry in ClinVar:

ClinVar aggregate classification (germline): Conflicting classifications of pathogenicity. Review status: criteria provided, conflicting classifications (1 of 4 stars). 6 submissions from 5 submitters: Uncertain significance (2); Likely benign (3). 1 of the submissions does not count toward it. Last evaluated 2026-01-26.

Conditions:
Meckel-Gruber syndrome. Also called: GRUBER SYNDROME; DYSENCEPHALIA SPLANCHNOCYSTICA; Dysencephalia splachnocystica. Identifiers: Orphanet 564, MedGen C0265215, MONDO:0018921.
Joubert syndrome. Also called: JOUBERT-BOLTSHAUSER SYNDROME; Familial aplasia of the vermis. Identifiers: Orphanet 475, MedGen C5979921, MONDO:0018772.
Inborn genetic diseases. Identifiers: MedGen C0950123, MeSH D030342.
TCTN2-related disorder. Also called: TCTN2-related disorders; TCTN2-related condition. Identifiers: MedGen CN239412.
Joubert syndrome 24 (JBTS24). Identifiers: Orphanet 475, MedGen C4084841, MONDO:0014724, OMIM 616654.
Meckel syndrome, type 8. Identifiers: Orphanet 564, MedGen C3836857, MONDO:0013482, OMIM 613885.

Allele frequency attached by ClinVar (database versions not stated): 1000 Genomes Project 0.00020; gnomAD 0.00021 and 0.00022; gnomAD exomes 0.00030 and 0.00040; 1000 Genomes Project 30x 0.00031; TOPMed 0.00031; ESP Exome Variant Server 0.00038; ExAC 0.00039.
gnomAD v4.1: 493 of 1,614,096 alleles (0.031%); highest among the groups gnomAD compares: Middle Eastern, 0.48%; 2 homozygotes.

Submissions (6):

Labcorp Genetics (formerly Invitae), Labcorp
Classification: Likely benign for Joubert syndrome; Meckel-Gruber syndrome. Last evaluated: 2026-01-26. Review status: criteria provided, single submitter. Criteria: Invitae Variant Classification Sherloc (09022015). Collection method: clinical testing. Allele origin: germline.

Blueprint Genetics
Classification: Likely benign. Last evaluated: 2024-10-23. Review status: criteria provided, single submitter. Criteria: ACMG Guidelines, 2015. Collection method: clinical testing. Allele origin: germline.

Ambry Genetics
Classification: Likely benign for Inborn genetic diseases. Last evaluated: 2021-08-02. Review status: criteria provided, single submitter. Criteria: Ambry Variant Classification Scheme 2023. Collection method: clinical testing. Allele origin: germline.

Illumina Laboratory Services, Illumina
Classification: Uncertain significance for Meckel syndrome, type 8. Last evaluated: 2018-01-12. Review status: criteria provided, single submitter. Criteria: ICSL Variant Classification Criteria 13 December 2019. Collection method: clinical testing. Allele origin: germline.

Illumina Laboratory Services, Illumina
Classification: Uncertain significance for Joubert syndrome 24. Last evaluated: 2018-01-12. Review status: criteria provided, single submitter. Criteria: ICSL Variant Classification Criteria 13 December 2019. Collection method: clinical testing. Allele origin: germline.

PreventionGenetics, part of Exact Sciences
Classification: Likely benign for TCTN2-related condition. Last evaluated: 2023-04-11. Review status: no assertion criteria provided. Collection method: clinical testing. Allele origin: germline. Not counted in ClinVar's aggregate classification.
Comment: This variant is classified as likely benign based on ACMG/AMP sequence variant interpretation guidelines (Richards et al. 2015 PMID: 25741868, with internal and published modifications).

NM_024809.5(TCTN2):c.202A>G (p.Ile68Val)

Gene: TCTN2 (tectonic family member 2; plus strand). Cytogenetic location: 12q24.31.
Variant type: single nucleotide variant.
Coding change: c.202A>G on transcript NM_024809.5 (MANE Select); coding-DNA position 202, A replaced by G.
Protein change: p.Ile68Val; replaces isoleucine 68 with valine.
Molecular consequence: missense variant.
Genome position (GRCh38, 1-based): chr12:123,672,067, A>G. VCF-style: chr12-123672067-A-G. GRCh37 (hg19) VCF-style: chr12-124156614-A-G.
Other names: c.202A>G, p.Ile68Val (NM_001143850.3); c.202A>G (NM_024809.3); short protein forms I68V.
Identifiers: ClinVar variation 307544 (VCV000307544.15), dbSNP rs137939978, ClinGen allele CA6860821.